The following is an entry in ClinVar:

ClinVar aggregate classification (germline): Uncertain significance (1 of 4 stars; one submission).

Allele frequency attached by ClinVar (database versions not stated): gnomAD exomes below 0.00001; ExAC 0.00001.
gnomAD v4.1: 1 of 1,613,488 alleles (0.000062%); highest among the groups gnomAD compares: Admixed American, 0.0017%; no homozygotes.

Submission:

Labcorp Genetics (formerly Invitae), Labcorp
Classification: Uncertain significance. Last evaluated: 2022-09-20. Review status: criteria provided, single submitter. Criteria: Invitae Variant Classification Sherloc (09022015). Collection method: clinical testing. Allele origin: germline.
Comment: In summary, the available evidence is currently insufficient to determine the role of this variant in disease. Therefore, it has been classified as a Variant of Uncertain Significance. Algorithms developed to predict the effect of missense changes on protein structure and function (SIFT, PolyPhen-2, Align-GVGD) all suggest that this variant is likely to be tolerated. ClinVar contains an entry for this variant (Variation ID: 1503317). This variant has not been reported in the literature in individuals affected with DHX32-related conditions. This variant is present in population databases (rs746824503, gnomAD no frequency). This sequence change replaces lysine, which is basic and polar, with asparagine, which is neutral and polar, at codon 669 of the DHX32 protein (p.Lys669Asn).

NM_018180.3(DHX32):c.2007A>T (p.Lys669Asn)

Genes: BCCIP (BRCA2 and CDKN1A interacting protein; plus strand), DHX32 (DEAH-box helicase 32 (putative); minus strand). Cytogenetic location: 10q26.2.
Variant type: single nucleotide variant.
Coding change: c.2007A>T on transcript NM_018180.3 (MANE Select); coding-DNA position 2007, A replaced by T.
Protein change: p.Lys669Asn; replaces lysine 669 with asparagine.
Molecular consequence: missense variant. On other transcripts: intron variant (2).
Genome position (GRCh38, 1-based): chr10:125,838,262, T>A on the plus strand (A>T on the coding strand, the complement: DHX32 is on the minus strand). VCF-style: chr10-125838262-T-A. GRCh37 (hg19) VCF-style: chr10-127526831-T-A.
Other names: c.775-2993T>A (NM_016567.4, NM_078469.3); short protein forms K669N.
Identifiers: ClinVar variation 1503317 (VCV001503317.7), dbSNP rs746824503, ClinGen allele CA5738992.
Genomic context (GRCh38, chr10:125,838,262, plus strand): 5'-TTACAGTTCAGGAGAGATTTCTGAGGTAATCCTGATGTAGTTGTTCTCAGAAATGCTGAA[T>A]TTATGGAAGAGGACCCACTCTGGCATCTTCTTGGTGATTGAGTAACCAGACAGGGGATGC-3'
Protein context (NP_060650.2, residues 659-679): KKMPEWVLFH[Lys669Asn]FSISENNYIR